The following is an entry in ClinVar:

ClinVar aggregate classification (germline): Uncertain significance (1 of 4 stars; one submission).

Conditions:
Mowat-Wilson syndrome (MOWS). Also called: Classic Mowat-Wilson Syndrome. Identifiers: Orphanet 2152, MedGen C1856113, MONDO:0009341, OMIM 235730.

Allele frequency attached by ClinVar (database versions not stated): TOPMed below 0.00001.

Submission:

Labcorp Genetics (formerly Invitae), Labcorp
Classification: Uncertain significance for Mowat-Wilson syndrome. Last evaluated: 2023-03-22. Review status: criteria provided, single submitter. Criteria: Invitae Variant Classification Sherloc (09022015). Collection method: clinical testing. Allele origin: germline.
Comment: This sequence change replaces asparagine, which is neutral and polar, with lysine, which is basic and polar, at codon 720 of the ZEB2 protein (p.Asn720Lys). This variant is not present in population databases (gnomAD no frequency). This variant has not been reported in the literature in individuals affected with ZEB2-related conditions. An algorithm developed to predict the effect of missense changes on protein structure and function (PolyPhen-2) suggests that this variant is likely to be tolerated. In summary, the available evidence is currently insufficient to determine the role of this variant in disease. Therefore, it has been classified as a Variant of Uncertain Significance.

NM_014795.4(ZEB2):c.2160C>A (p.Asn720Lys)

Gene: ZEB2 (zinc finger E-box binding homeobox 2; minus strand). Cytogenetic location: 2q22.3.
Variant type: single nucleotide variant.
Coding change: c.2160C>A on transcript NM_014795.4 (MANE Select); coding-DNA position 2160, C replaced by A.
Protein change: p.Asn720Lys; replaces asparagine 720 with lysine.
Molecular consequence: missense variant.
Genome position (GRCh38, 1-based): chr2:144,399,027, G>T on the plus strand (C>A on the coding strand, the complement: ZEB2 is on the minus strand). VCF-style: chr2-144399027-G-T. GRCh37 (hg19) VCF-style: chr2-145156594-G-T.
Other names: c.2088C>A, p.Asn696Lys (NM_001171653.2); short protein forms N696K, N720K.
Identifiers: ClinVar variation 2848686 (VCV002848686.3), dbSNP rs1703270126, ClinGen allele CA348708897.